The following is an entry in ClinVar:

NM_000051.4(ATM):c.5728C>A (p.Leu1910Ile)

Gene: ATM (ATM serine/threonine kinase; plus strand). Cytogenetic location: 11q22.3.
Variant type: single nucleotide variant.
Coding change: c.5728C>A on transcript NM_000051.4 (MANE Select); coding-DNA position 5728, C replaced by A.
Protein change: p.Leu1910Ile; replaces leucine 1910 with isoleucine.
Molecular consequence: missense variant.
Genome position (GRCh38, 1-based): chr11:108,307,950, C>A. VCF-style: chr11-108307950-C-A. GRCh37 (hg19) VCF-style: chr11-108178677-C-A.
Other names: c.5728C>A, p.Leu1910Ile (NM_001351834.2); short protein forms L1910I.
Identifiers: ClinVar variation 185625 (VCV000185625.35), dbSNP rs143577586, ClinGen allele CA192449.
Genomic context (GRCh38, chr11:108,307,950, plus strand): 5'-TTGTCAGAGTCAGAGCACTTTTTCCGATGCTGTTTGGATAAAAAATCACAAAGAACAATG[C>A]TTGCTGTTGTGGACTACATGAGAAGACAAAAGAGGTAATGTAATGAGTGTTGCTTCTTAC-3'
Protein context (NP_000042.3, residues 1900-1920): CLDKKSQRTM[Leu1910Ile]AVVDYMRRQK

ClinVar aggregate classification (germline): Uncertain significance. Review status: criteria provided, multiple submitters, no conflicts (2 of 4 stars). 7 submissions from 7 submitters: Uncertain significance (5). 2 of the submissions do not count toward it. Last evaluated 2026-01-14.

Conditions:
Hereditary cancer-predisposing syndrome. Also called: Tumor predisposition; Hereditary Cancer Syndrome; Hereditary neoplastic syndrome; Neoplastic Syndromes, Hereditary. Identifiers: Orphanet 140162, MedGen C0027672, MeSH D009386, MONDO:0015356.
Familial cancer of breast. Also called: BREAST CANCER, FAMILIAL; hereditary breast carcinoma; Hereditary breast cancer. Identifiers: Orphanet 227535, MedGen C0346153, MONDO:0016419, OMIM 114480. Disease mechanism: loss of function.
Ataxia-telangiectasia syndrome (AT). Also called: LOUIS-BAR SYNDROME; Cerebello-oculocutaneous telangiectasia; Immunodeficiency with ataxia telangiectasia; ATAXIA-TELANGIECTASIA, COMPLEMENTATION GROUP A; ATAXIA-TELANGIECTASIA, FRESNO VARIANT; Ataxia-telangiectasia. Identifiers: Orphanet 100, MedGen C0004135, MONDO:0008840, OMIM 208900.

Allele frequency attached by ClinVar (database versions not stated): ExAC 0.00001; gnomAD 0.00001 and 0.00002; gnomAD exomes 0.00001; TOPMed 0.00003; ESP Exome Variant Server 0.00015.
gnomAD v4.1: 29 of 1,613,684 alleles (0.0018%); highest among the groups gnomAD compares: Non-Finnish European, 0.0025%; no homozygotes.

Submissions (7):

Labcorp Genetics (formerly Invitae), Labcorp
Classification: Uncertain significance for Ataxia-telangiectasia syndrome. Last evaluated: 2026-01-14. Review status: criteria provided, single submitter. Criteria: Invitae Variant Classification Sherloc (09022015). Collection method: clinical testing. Allele origin: germline.
Comment: This sequence change replaces leucine, which is neutral and non-polar, with isoleucine, which is neutral and non-polar, at codon 1910 of the ATM protein (p.Leu1910Ile). This variant is present in population databases (rs143577586, gnomAD 0.002%). This missense change has been observed in individual(s) with colorectal cancer and/or male breast cancer (PMID: 28135145, 30613976). ClinVar contains an entry for this variant (Variation ID: 185625). Invitae Evidence Modeling of protein sequence and biophysical properties (such as structural, functional, and spatial information, amino acid conservation, physicochemical variation, residue mobility, and thermodynamic stability) has been performed for this missense variant. However, the output from this modeling did not meet the statistical confidence thresholds required to predict the impact of this variant on ATM protein function. In summary, the available evidence is currently insufficient to determine the role of this variant in disease. Therefore, it has been classified as a Variant of Uncertain Significance.

Color Diagnostics, LLC DBA Color Health
Classification: Uncertain significance for Hereditary cancer-predisposing syndrome. Last evaluated: 2025-04-14. Review status: criteria provided, single submitter. Criteria: ACMG Guidelines, 2015. Collection method: clinical testing. Allele origin: germline.
Comment: This missense variant replaces leucine with isoleucine at codon 1910 of the ATM protein. Computational prediction is inconclusive regarding the impact of this variant on protein structure and function. To our knowledge, functional studies have not been reported for this variant. This variant has been reported in an individual affected with breast cancer (PMID: 33471991) and in an individual affected with colorectal cancer (PMID: 28135145). This variant has been identified in 2/251114 chromosomes in the general population by the Genome Aggregation Database (gnomAD). The available evidence is insufficient to determine the role of this variant in disease conclusively. Therefore, this variant is classified as a Variant of Uncertain Significance.

Ambry Genetics
Classification: Uncertain significance for Hereditary cancer-predisposing syndrome. Last evaluated: 2024-10-17. Review status: criteria provided, single submitter. Criteria: Ambry Variant Classification Scheme 2023. Collection method: clinical testing. Allele origin: germline.
Comment: The p.L1910I variant (also known as c.5728C>A), located in coding exon 37 of the ATM gene, results from a C to A substitution at nucleotide position 5728. The leucine at codon 1910 is replaced by isoleucine, an amino acid with highly similar properties. This amino acid position is highly conserved in available vertebrate species. In addition, the in silico prediction for this alteration is inconclusive. Based on the available evidence, the clinical significance of this variant remains unclear.

GeneDx
Classification: Uncertain significance. Last evaluated: 2024-06-04. Review status: criteria provided, single submitter. Criteria: GeneDx Variant Classification Process June 2021. Collection method: clinical testing. Allele origin: germline. Affected: yes.
Comment: Observed in individuals with colorectal or male breast cancer and in an individual with an unspecified type of cancer and a family history of multiple types of cancers (PMID: 28135145, 30613976, 34326862); Not observed at significant frequency in large population cohorts (gnomAD); In silico analysis indicates that this missense variant does not alter protein structure/function; This variant is associated with the following publications: (PMID: 30613976, 28135145, 34326862)

Baylor Genetics
Classification: Uncertain significance for Familial cancer of breast. Last evaluated: 2023-10-03. Review status: criteria provided, single submitter. Criteria: ACMG Guidelines, 2015. Collection method: clinical testing. Allele origin: unknown.

Natera, Inc.
Classification: Uncertain significance for Ataxia-telangiectasia. Last evaluated: 2020-11-17. Review status: no assertion criteria provided. Collection method: clinical testing. Allele origin: germline. Not counted in ClinVar's aggregate classification.

Counsyl
Classification: Uncertain significance for Ataxia-telangiectasia syndrome. Last evaluated: 2018-05-18. Review status: no assertion criteria provided. Collection method: clinical testing. Allele origin: unknown. Not counted in ClinVar's aggregate classification.

Literature cited by the submitters: PubMed 28135145 (cited by 3 submitters); PubMed 30613976 (cited by Labcorp Genetics (formerly Invitae), Labcorp); PubMed 33471991 (cited by Color Diagnostics, LLC DBA Color Health).